The following is an entry in ClinVar:

NM_014989.7(RIMS1):c.2701T>G (p.Ser901Ala)

Gene: RIMS1 (regulating synaptic membrane exocytosis 1; plus strand). Cytogenetic location: 6q13.
Variant type: single nucleotide variant.
Coding change: c.2701T>G on transcript NM_014989.7 (MANE Select); coding-DNA position 2701, T replaced by G.
Protein change: p.Ser901Ala; replaces serine 901 with alanine.
Molecular consequence: missense variant.
Genome position (GRCh38, 1-based): chr6:72,252,763, T>G. VCF-style: chr6-72252763-T-G. GRCh37 (hg19) VCF-style: chr6-72962466-T-G.
Other names: c.880T>G, p.Ser294Ala (NM_001350465.2, NM_001350466.2, NM_001350467.2 and 6 more transcripts); c.1078T>G, p.Ser360Ala (NM_001350470.2, NM_001350472.2, NM_001350473.2 and 2 more transcripts); c.1054T>G, p.Ser352Ala (NM_001350471.2, NM_001350421.2, NM_001350424.2 and 6 more transcripts); c.2701T>G (NM_014989.4); c.1123T>G, p.Ser375Ala (NM_001168407.2, NM_001168408.2, NM_001350414.2 and 37 more transcripts); short protein forms S375A, S294A, S352A, S360A, S901A.
Identifiers: ClinVar variation 1350285 (VCV001350285.7), dbSNP rs763830459, ClinGen allele CA3886015.

ClinVar aggregate classification (germline): Uncertain significance. Review status: criteria provided, multiple submitters, no conflicts (2 of 4 stars). 2 submissions from 2 submitters: Uncertain significance (2). Last evaluated 2025-10-21.

Allele frequency attached by ClinVar (database versions not stated): gnomAD exomes 0.00001 and 0.00008; gnomAD 0.00003 and 0.00004; TOPMed 0.00004; ExAC 0.00009.
gnomAD v4.1: 28 of 1,557,968 alleles (0.0018%); highest among the groups gnomAD compares: Admixed American, 0.041%; no homozygotes.

Submissions (2):

Labcorp Genetics (formerly Invitae), Labcorp
Classification: Uncertain significance. Last evaluated: 2025-10-21. Review status: criteria provided, single submitter. Criteria: Invitae Variant Classification Sherloc (09022015). Collection method: clinical testing. Allele origin: germline.
Comment: This sequence change replaces serine, which is neutral and polar, with alanine, which is neutral and non-polar, at codon 901 of the RIMS1 protein (p.Ser901Ala). This variant is present in population databases (rs763830459, gnomAD 0.03%). This variant has not been reported in the literature in individuals affected with RIMS1-related conditions. ClinVar contains an entry for this variant (Variation ID: 1350285). An algorithm developed to predict the effect of missense changes on protein structure and function (PolyPhen-2) suggests that this variant is likely to be disruptive. In summary, the available evidence is currently insufficient to determine the role of this variant in disease. Therefore, it has been classified as a Variant of Uncertain Significance.

Ambry Genetics
Classification: Uncertain significance. Last evaluated: 2024-06-03. Review status: criteria provided, single submitter. Criteria: Ambry Variant Classification Scheme 2023. Collection method: clinical testing. Allele origin: germline.